The following is an entry in ClinVar:

NM_006265.3(RAD21):c.193C>G (p.Arg65Gly)

Gene: RAD21 (RAD21 cohesin complex component; minus strand). Cytogenetic location: 8q24.11.
Variant type: single nucleotide variant.
Coding change: c.193C>G on transcript NM_006265.3 (MANE Select); coding-DNA position 193, C replaced by G.
Protein change: p.Arg65Gly; replaces arginine 65 with glycine.
Molecular consequence: missense variant.
Genome position (GRCh38, 1-based): chr8:116,863,211, G>C on the plus strand (C>G on the coding strand, the complement: RAD21 is on the minus strand). VCF-style: chr8-116863211-G-C. GRCh37 (hg19) VCF-style: chr8-117875450-G-C.
Other names: short protein forms R65G.
Identifiers: ClinVar variation 1701555 (VCV001701555.31), dbSNP rs1812625715, ClinGen allele CA372010884.

ClinVar aggregate classification (germline): Uncertain significance (1 of 4 stars; one submission).

Submission:

CeGaT Center for Human Genetics Tuebingen
Classification: Uncertain significance. Last evaluated: 2022-07-01. Review status: criteria provided, single submitter. Criteria: CeGaT Center For Human Genetics Tuebingen Variant Classification Criteria Version 2. Collection method: clinical testing. Allele origin: germline. Affected: yes. Observed: 1 variant allele.
Comment: RAD21: PM2, PM5:Supporting